The following is an entry in ClinVar:

ClinVar aggregate classification (germline): Uncertain significance. Review status: criteria provided, multiple submitters, no conflicts (2 of 4 stars). 2 submissions from 2 submitters: Uncertain significance (2). Last evaluated 2026-05-14.

Conditions:
Cystic fibrosis (CF). Also called: MUCOVISCIDOSIS. Identifiers: Orphanet 586, MedGen C0010674, MONDO:0009061, OMIM 219700. Disease mechanism: loss of function.

gnomAD v4.1: 6 of 1,614,026 alleles (0.00037%); highest among the groups gnomAD compares: South Asian, 0.0066%; no homozygotes.

Submissions (2):

Ambry Genetics
Classification: Uncertain significance for Cystic fibrosis. Last evaluated: 2026-05-14. Review status: criteria provided, single submitter. Criteria: Ambry Variant Classification Scheme 2023. Collection method: clinical testing. Allele origin: germline.
Comment: The p.S911N variant (also known as c.2732G>A), located in coding exon 17 of the CFTR gene, results from a G to A substitution at nucleotide position 2732. The serine at codon 911 is replaced by asparagine, an amino acid with highly similar properties. This amino acid position is conserved. In addition, the in silico prediction for this alteration is inconclusive. Based on the available evidence, the clinical significance of this variant remains unclear.

Women's Health and Genetics/Laboratory Corporation of America, LabCorp
Classification: Uncertain significance. Last evaluated: 2025-06-27. Review status: criteria provided, single submitter. Criteria: LabCorp Variant Classification Summary - May 2015. Collection method: clinical testing. Allele origin: germline.
Comment: Variant summary: CFTR c.2732G>A (p.Ser911Asn) results in a conservative amino acid change in the encoded protein sequence. Algorithms developed to predict the effect of missense changes on protein structure and function are either unavailable or do not agree on the potential impact of this missense change. The variant allele was found at a frequency of 4e-06 in 251366 control chromosomes. The available data on variant occurrences in the general population are insufficient to allow any conclusion about variant significance. To our knowledge, no occurrence of c.2732G>A in individuals affected with Cystic Fibrosis and no experimental evidence demonstrating its impact on protein function have been reported. No submitters have cited clinical-significance assessments for this variant to ClinVar. Based on the evidence outlined above, the variant was classified as uncertain significance.

NM_000492.4(CFTR):c.2732G>A (p.Ser911Asn)

Gene: CFTR (CF transmembrane conductance regulator; plus strand). Cytogenetic location: 7q31.2.
Variant type: single nucleotide variant.
Coding change: c.2732G>A on transcript NM_000492.4 (MANE Select); coding-DNA position 2732, G replaced by A.
Protein change: p.Ser911Asn; replaces serine 911 with asparagine.
Molecular consequence: missense variant.
Genome position (GRCh38, 1-based): chr7:117,603,606, G>A. VCF-style: chr7-117603606-G-A. GRCh37 (hg19) VCF-style: chr7-117243660-G-A.
Other names: short protein forms S911N.
Identifiers: ClinVar variation 3907233 (VCV003907233.2).